The following is an entry in ClinVar:

NM_001005388.3(NFASC):c.1306C>T (p.Arg436Trp)

Gene: NFASC (neurofascin; plus strand). Cytogenetic location: 1q32.1.
Variant type: single nucleotide variant.
Coding change: c.1306C>T on transcript NM_001005388.3 (MANE Select); coding-DNA position 1306, C replaced by T.
Protein change: p.Arg436Trp; replaces arginine 436 with tryptophan.
Molecular consequence: missense variant. On other transcripts: non-coding transcript variant (1).
Genome position (GRCh38, 1-based): chr1:204,974,205, C>T. VCF-style: chr1-204974205-C-T. GRCh37 (hg19) VCF-style: chr1-204943333-C-T.
Other names: c.1306C>T, p.Arg436Trp (NM_001005389.2, NM_001378329.1); c.1339C>T, p.Arg447Trp (NM_001160331.2, NM_001160332.2, NM_001365986.1 and 3 more transcripts); c.1288C>T, p.Arg430Trp (NM_001160333.2); short protein forms R436W, R447W, R430W.
Identifiers: ClinVar variation 3299460 (VCV003299460.2).

ClinVar aggregate classification (germline): Conflicting classifications of pathogenicity. Review status: criteria provided, conflicting classifications (1 of 4 stars). 2 submissions from 2 submitters: Uncertain significance (1); Likely benign (1). Last evaluated 2026-07-10.

Conditions:
NFASC-related disorder. Also called: NFASC-related condition.
Inborn genetic diseases. Identifiers: MedGen C0950123, MeSH D030342.

Submissions (2):

PreventionGenetics, part of Exact Sciences
Classification: Uncertain significance for NFASC-related condition. Last evaluated: 2026-07-10. Review status: criteria provided, single submitter. Criteria: ACMG Guidelines, 2015. Collection method: clinical testing. Allele origin: germline.
Comment: The NFASC c.1306C>T variant is predicted to result in the amino acid substitution p.Arg436Trp. To our knowledge, this variant has not been reported in the literature. This variant is reported in 0.13% of alleles in individuals of East Asian descent in gnomAD. At this time, the clinical significance of this variant is uncertain due to the absence of conclusive functional and genetic evidence.

Ambry Genetics
Classification: Likely benign for Inborn genetic diseases. Last evaluated: 2024-04-26. Review status: criteria provided, single submitter. Criteria: Ambry Variant Classification Scheme 2023. Collection method: clinical testing. Allele origin: germline.